The following is an entry in ClinVar:

NM_001287491.2(TET3):c.4349A>C (p.Asn1450Thr)

Gene: TET3 (tet methylcytosine dioxygenase 3; plus strand). Cytogenetic location: 2p13.1.
Variant type: single nucleotide variant.
Coding change: c.4349A>C on transcript NM_001287491.2 (MANE Select); coding-DNA position 4349, A replaced by C.
Protein change: p.Asn1450Thr; replaces asparagine 1450 with threonine.
Molecular consequence: missense variant.
Genome position (GRCh38, 1-based): chr2:74,101,137, A>C. VCF-style: chr2-74101137-A-C. GRCh37 (hg19) VCF-style: chr2-74328264-A-C.
Other names: c.4070A>C, p.Asn1357Thr (NM_001366022.1); c.3944A>C, p.Asn1315Thr (NM_144993.1); short protein forms N1315T, N1357T, N1450T.
Identifiers: ClinVar variation 2651052 (VCV002651052.24), dbSNP rs2528193050, ClinGen allele CA347319544.

ClinVar aggregate classification (germline): Uncertain significance (1 of 4 stars; one submission).

Submission:

CeGaT Center for Human Genetics Tuebingen
Classification: Uncertain significance. Last evaluated: 2023-02-01. Review status: criteria provided, single submitter. Criteria: CeGaT Center For Human Genetics Tuebingen Variant Classification Criteria Version 2. Collection method: clinical testing. Allele origin: germline. Affected: yes. Observed: 1 variant allele.
Comment: TET3: PM2, BP4